The following is an entry in ClinVar:

ClinVar aggregate classification (germline): Uncertain significance (1 of 4 stars; one submission).

gnomAD v4.1: 3 of 1,612,900 alleles (0.00019%); highest among the groups gnomAD compares: East Asian, 0.0067%; no homozygotes.

Submission:

Labcorp Genetics (formerly Invitae), Labcorp
Classification: Uncertain significance. Last evaluated: 2025-08-14. Review status: criteria provided, single submitter. Criteria: Invitae Variant Classification Sherloc (09022015). Collection method: clinical testing. Allele origin: germline.
Comment: This sequence change replaces proline, which is neutral and non-polar, with leucine, which is neutral and non-polar, at codon 453 of the COL11A2 protein (p.Pro453Leu). This variant is not present in population databases (gnomAD no frequency). This variant has not been reported in the literature in individuals affected with COL11A2-related conditions. An algorithm developed to predict the effect of missense changes on protein structure and function (PolyPhen-2) suggests that this variant is likely to be tolerated. In summary, the available evidence is currently insufficient to determine the role of this variant in disease. Therefore, it has been classified as a Variant of Uncertain Significance.

NM_080680.3(COL11A2):c.1358C>T (p.Pro453Leu)

Gene: COL11A2 (collagen type XI alpha 2 chain; minus strand). Cytogenetic location: 6p21.32.
Variant type: single nucleotide variant.
Coding change: c.1358C>T on transcript NM_080680.3 (MANE Select); coding-DNA position 1358, C replaced by T.
Protein change: p.Pro453Leu; replaces proline 453 with leucine.
Molecular consequence: missense variant.
Genome position (GRCh38, 1-based): chr6:33,180,259, G>A on the plus strand (C>T on the coding strand, the complement: COL11A2 is on the minus strand). VCF-style: chr6-33180259-G-A. GRCh37 (hg19) VCF-style: chr6-33148036-G-A.
Other names: c.1178C>T, p.Pro393Leu (NM_001424108.1); c.512C>T, p.Pro171Leu (NM_001424109.1); c.332C>T, p.Pro111Leu (NM_001424110.1, NM_001424111.1); c.1037C>T, p.Pro346Leu (NM_080679.3); c.1100C>T, p.Pro367Leu (NM_080681.3); short protein forms P111L, P171L, P346L, P367L, P393L, P453L.
Identifiers: ClinVar variation 4803738 (VCV004803738.1).
Genomic context (GRCh38, chr6:33,180,259, plus strand): 5'-CATGACACAATTCCTTGTCTTCCCCATCAGCATGTTCCAAAACCCAAGAGACAACTCACT[G>A]GGAGCATGAGAGATGTGCCAGGAGGACCAGGAGCCCCATCTGATCCAGGGAGCCCTGCTC-3'
Protein context (NP_542411.2, residues 443-463): PGPPGTSLML[Pro453Leu]FRFGSGGGDK